The following is an entry in ClinVar:

NM_004863.4(SPTLC2):c.850+34G>A

Gene: SPTLC2 (serine palmitoyltransferase long chain base subunit 2; minus strand). Cytogenetic location: 14q24.3.
Variant type: single nucleotide variant.
Coding change: c.850+34G>A on transcript NM_004863.4 (MANE Select); 34 bases into the intron after coding-DNA position 850, G replaced by A.
Molecular consequence: intron variant.
Genome position (GRCh38, 1-based): chr14:77,562,362, C>T on the plus strand (G>A on the coding strand, the complement: SPTLC2 is on the minus strand). VCF-style: chr14-77562362-C-T. GRCh37 (hg19) VCF-style: chr14-78028705-C-T.
Identifiers: ClinVar variation 674632 (VCV000674632.2), dbSNP rs45613436, ClinGen allele CA7289347.

ClinVar aggregate classification (germline): Likely benign. Review status: criteria provided, multiple submitters, no conflicts (2 of 4 stars). 2 submissions from 2 submitters: Likely benign (2). Last evaluated 2018-06-19.

Allele frequency attached by ClinVar (database versions not stated): 1000 Genomes Project 30x 0.02623; 1000 Genomes Project 0.02636; gnomAD exomes 0.03294 and 0.03808; TOPMed 0.03295; ESP Exome Variant Server 0.03352; gnomAD 0.03366 and 0.03385; ExAC 0.03390.
gnomAD v4.1: 60,159 of 1,594,998 alleles (3.8%); highest among the groups gnomAD compares: Middle Eastern, 7.1%; 1,219 homozygotes.

Submissions (2):

GeneDx
Classification: Likely benign. Last evaluated: 2018-06-19. Review status: criteria provided, single submitter. Criteria: GeneDx Variant Classification (06012015). Collection method: clinical testing. Allele origin: germline. Affected: yes.
Comment: This variant is considered likely benign or benign based on one or more of the following criteria: it is a conservative change, it occurs at a poorly conserved position in the protein, it is predicted to be benign by multiple in silico algorithms, and/or has population frequency not consistent with disease.

Breakthrough Genomics
Classification: Likely benign. Review status: criteria provided, single submitter. Criteria: ACMG Guidelines, 2015. Collection method: not provided. Allele origin: germline. Inheritance: Autosomal dominant inheritance. Affected: yes.